The following is an entry in ClinVar:

ClinVar aggregate classification (germline): Uncertain significance (1 of 4 stars; one submission).

Submission:

GeneDx
Classification: Uncertain significance. Last evaluated: 2023-02-10. Review status: criteria provided, single submitter. Criteria: GeneDx Variant Classification Process June 2021. Collection method: clinical testing. Allele origin: germline. Affected: yes.
Comment: Not observed at significant frequency in large population cohorts (gnomAD); In silico analysis supports that this missense variant has a deleterious effect on protein structure/function; Has not been previously published as pathogenic or benign to our knowledge

NM_020937.4(FANCM):c.3332T>A (p.Val1111Asp)

Gene: FANCM (FA complementation group M; plus strand). Cytogenetic location: 14q21.2.
Variant type: single nucleotide variant.
Coding change: c.3332T>A on transcript NM_020937.4 (MANE Select); coding-DNA position 3332, T replaced by A.
Protein change: p.Val1111Asp; replaces valine 1111 with aspartic acid.
Molecular consequence: missense variant.
Genome position (GRCh38, 1-based): chr14:45,176,086, T>A. VCF-style: chr14-45176086-T-A. GRCh37 (hg19) VCF-style: chr14-45645289-T-A.
Other names: c.3254T>A, p.Val1085Asp (NM_001308133.2); short protein forms V1085D, V1111D.
Identifiers: ClinVar variation 2575768 (VCV002575768.1), dbSNP rs376798467, ClinGen allele CA389601076.